The following is an entry in ClinVar:

ClinVar aggregate classification (germline): Likely pathogenic (1 of 4 stars; one submission).

Conditions:
Preimplantation embryonic lethality 1 (OZEMA15). Also called: OOCYTE/ZYGOTE/EMBRYO MATURATION ARREST 15. Identifiers: MedGen C4225197, OMIM 616814, MONDO:0014783.

Submission:

Juno Genomics, Hangzhou Juno Genomics, Inc
Classification: Likely pathogenic for Preimplantation embryonic lethality 1. Review status: criteria provided, single submitter. Criteria: ACMG Guidelines, 2015. Collection method: clinical testing. Allele origin: germline. Affected: yes.
Comment: Absent from controls (or at extremely low frequency if recessive) in Genome Aggregation Database, Exome Sequencing Project, 1000 Genomes Project, or Exome Aggregation Consortium.;Null variant in a gene where loss of function (LOF) is a known mechanism of disease.

NM_001143986.2(TLE6):c.376del (p.Thr126fs)

Gene: TLE6 (TLE family member 6, subcortical maternal complex member; plus strand). Cytogenetic location: 19p13.3.
Variant type: Deletion.
Coding change: c.376del on transcript NM_001143986.2 (MANE Select); coding-DNA position 376, one base deleted (A; older notation c.376delA).
Protein change: p.Thr126fs; shifts the reading frame from threonine 126.
Molecular consequence: frameshift variant.
Genome position (GRCh38, 1-based): chr19:2,987,073, A deleted. VCF-style (leftmost placement, unchanged base first): chr19-2987072-CA-C. GRCh37 (hg19) VCF-style: chr19-2987070-CA-C.
Other names: c.7del, p.Thr3fs (NM_024760.3); short protein forms T126fs, T3fs.
Identifiers: ClinVar variation 4796590 (VCV004796590.1).
Genomic context (GRCh38, chr19:2,987,072, plus strand): 5'-GACGCCCCAGCAGGTGAAGGACAAGACCCTGCAGGAGTCGAGCTTTGAGGACATCATGGC[CA>C]CCAGGTCCTCCGACTGGCTCCGGCGGCCTTTGGGGGAGGACAATCAGCCGGAGACCCAGC-3'